The following is an entry in ClinVar:

NM_015046.7(SETX):c.5754T>A (p.Asp1918Glu)

Gene: SETX (senataxin; minus strand). Cytogenetic location: 9q34.13.
Variant type: single nucleotide variant.
Coding change: c.5754T>A on transcript NM_015046.7 (MANE Select); coding-DNA position 5754, T replaced by A.
Protein change: p.Asp1918Glu; replaces aspartic acid 1918 with glutamic acid.
Molecular consequence: missense variant.
Genome position (GRCh38, 1-based): chr9:132,298,107, A>T on the plus strand (T>A on the coding strand, the complement: SETX is on the minus strand). VCF-style: chr9-132298107-A-T. GRCh37 (hg19) VCF-style: chr9-135173494-A-T.
Other names: c.5754T>A, p.Asp1918Glu (NM_001351527.2, NM_001351528.2); short protein forms D1918E.
Identifiers: ClinVar variation 2923121 (VCV002923121.3), dbSNP rs759713043, ClinGen allele CA375345770.

ClinVar aggregate classification (germline): Uncertain significance (1 of 4 stars; one submission).

Conditions:
Amyotrophic lateral sclerosis type 4 (ALS4). Also called: AMYOTROPHIC LATERAL SCLEROSIS 4, JUVENILE; NEURONOPATHY, DISTAL HEREDITARY MOTOR, WITH PYRAMIDAL FEATURES. Identifiers: Orphanet 357043, MedGen C1865409, MONDO:0011223, OMIM 602433.
Spinocerebellar ataxia, autosomal recessive, with axonal neuropathy 2 (SCAN2). Also called: ATAXIA-OCULOMOTOR APRAXIA 2; Ataxia with Oculomotor Apraxia Type 2; Ataxia-ocular apraxia-2; Ataxia with Oculomotor Apraxia. Identifiers: Orphanet 64753, MedGen C1853761, MONDO:0018996, OMIM 606002.

gnomAD v4.1: 5 of 1,614,020 alleles (0.00031%); highest among the groups gnomAD compares: Non-Finnish European, 0.00042%; no homozygotes.

Submission:

Labcorp Genetics (formerly Invitae), Labcorp
Classification: Uncertain significance for Amyotrophic lateral sclerosis type 4; Spinocerebellar ataxia, autosomal recessive, with axonal neuropathy 2. Last evaluated: 2023-03-18. Review status: criteria provided, single submitter. Criteria: Invitae Variant Classification Sherloc (09022015). Collection method: clinical testing. Allele origin: germline.
Comment: In summary, the available evidence is currently insufficient to determine the role of this variant in disease. Therefore, it has been classified as a Variant of Uncertain Significance. Advanced modeling of protein sequence and biophysical properties (such as structural, functional, and spatial information, amino acid conservation, physicochemical variation, residue mobility, and thermodynamic stability) performed at Invitae indicates that this missense variant is not expected to disrupt SETX protein function. This variant has not been reported in the literature in individuals affected with SETX-related conditions. This variant is not present in population databases (gnomAD no frequency). This sequence change replaces aspartic acid, which is acidic and polar, with glutamic acid, which is acidic and polar, at codon 1918 of the SETX protein (p.Asp1918Glu).